The following is an entry in ClinVar:

NM_001458.5(FLNC):c.5071G>A (p.Asp1691Asn)

Gene: FLNC (filamin C; plus strand). Cytogenetic location: 7q32.1.
Variant type: single nucleotide variant.
Coding change: c.5071G>A on transcript NM_001458.5 (MANE Select); coding-DNA position 5071, G replaced by A.
Protein change: p.Asp1691Asn; replaces aspartic acid 1691 with asparagine.
Molecular consequence: missense variant.
Genome position (GRCh38, 1-based): chr7:128,849,450, G>A. VCF-style: chr7-128849450-G-A. GRCh37 (hg19) VCF-style: chr7-128489504-G-A.
Other names: c.5071G>A, p.Asp1691Asn (NM_001127487.2); short protein forms D1691N.
Identifiers: ClinVar variation 570701 (VCV000570701.57), dbSNP rs777061037, ClinGen allele CA4475554.
Genomic context (GRCh38, chr7:128,849,450, plus strand): 5'-AAGGCAGCCGGTGAGGGGAAGGTGACATGCACGGTGTCCACGCCGGATGGGGCAGAGCTC[G>A]ATGTGGATGTGGTTGAGAACCATGACGGTACCTTTGACATCTACTACACAGCGCCCGAGC-3'
Protein context (NP_001449.3, residues 1681-1701): TVSTPDGAEL[Asp1691Asn]VDVVENHDGT

ClinVar aggregate classification (germline): Conflicting classifications of pathogenicity. Review status: criteria provided, conflicting classifications (1 of 4 stars). 8 submissions from 8 submitters: Uncertain significance (7); Likely benign (1). Last evaluated 2025-09-25.

Conditions:
Hypertrophic cardiomyopathy. Also called: HYPERTROPHIC MYOCARDIOPATHY. Identifiers: Orphanet 217569, MedGen C0007194, MeSH D002312, MONDO:0005045, HP:0001639.
Cardiovascular phenotype. Identifiers: MedGen CN230736.
Distal myopathy with posterior leg and anterior hand involvement. Also called: WILLIAMS DISTAL MYOPATHY. Identifiers: Orphanet 63273, MedGen C3279722, MONDO:0013550, OMIM 614065.
Myofibrillar myopathy 5. Also called: Filaminopathy (type); FILAMINOPATHY, AUTOSOMAL DOMINANT. Identifiers: Orphanet 171445, MedGen C1836050, MONDO:0012289, OMIM 609524.
Dilated Cardiomyopathy, Dominant.
Hypertrophic cardiomyopathy 26. Also called: Cardiomyopathy, familial hypertrophic, 26. Identifiers: Orphanet 75249, MedGen C4310749, MONDO:0014883, OMIM 617047.

Allele frequency attached by ClinVar (database versions not stated): ExAC 0.00002; TOPMed 0.00002; gnomAD exomes 0.00004; gnomAD 0.00005 and 0.00006.

Submissions (8):

Women's Health and Genetics/Laboratory Corporation of America, LabCorp
Classification: Uncertain significance. Last evaluated: 2025-09-25. Review status: criteria provided, single submitter. Criteria: LabCorp Variant Classification Summary - May 2015. Collection method: clinical testing. Allele origin: germline.
Comment: Variant summary: FLNC c.5071G>A (p.Asp1691Asn) results in a conservative amino acid change in the encoded protein sequence. Algorithms developed to predict the effect of missense changes on protein structure and function are either unavailable or do not agree on the potential impact of this missense change. The variant allele was found at a frequency of 4.4e-05 in 249602 control chromosomes. The observed variant frequency exceeds the estimated maximal expected allele frequency for disease-causing variants in FLNC. c.5071G>A has been reported in the literature in individuals affected with various FLNC-association myopathies and cardiac disorders, including one de novo occurrence (Aurino_2008, Zhang_2018, van Lint_2019, Shumkova_2021, Murphy_2014, Schubert_2018 [dissertation]), without strong evidence for causality. These report(s) do not provide unequivocal conclusions about association of the variant with FLNC-related conditions. To our knowledge, no experimental evidence demonstrating an impact on protein function has been reported. The following publications have been ascertained in the context of this evaluation (PMID: 19472918, 33890751, 32112656, 30539912, 30847666, 37174721, 32295012, 27149842, 38489124, 34426522, 34535832, 33802723, 33557094). ClinVar contains an entry for this variant (Variation ID: 570701). Based on the evidence outlined above, the variant was classified as uncertain significance.

Labcorp Genetics (formerly Invitae), Labcorp
Classification: Uncertain significance for Distal myopathy with posterior leg and anterior hand involvement; Myofibrillar myopathy 5; Hypertrophic cardiomyopathy 26. Last evaluated: 2025-02-03. Review status: criteria provided, single submitter. Criteria: Invitae Variant Classification Sherloc (09022015). Collection method: clinical testing. Allele origin: germline.
Comment: This sequence change replaces aspartic acid, which is acidic and polar, with asparagine, which is neutral and polar, at codon 1691 of the FLNC protein (p.Asp1691Asn). This variant is present in population databases (rs777061037, gnomAD 0.02%), and has an allele count higher than expected for a pathogenic variant. This missense change has been observed in individual(s) with hypertrophic cardiomyopathy, left ventricular non-compaction, and/or myofibrillar myopathy (PMID: 30539912, 30847666, 33890751). ClinVar contains an entry for this variant (Variation ID: 570701). Invitae Evidence Modeling of protein sequence and biophysical properties (such as structural, functional, and spatial information, amino acid conservation, physicochemical variation, residue mobility, and thermodynamic stability) has been performed for this missense variant. However, the output from this modeling did not meet the statistical confidence thresholds required to predict the impact of this variant on FLNC protein function. In summary, the available evidence is currently insufficient to determine the role of this variant in disease. Therefore, it has been classified as a Variant of Uncertain Significance.

Blueprint Genetics
Classification: Likely benign. Last evaluated: 2024-09-18. Review status: criteria provided, single submitter. Criteria: ACMG Guidelines, 2015. Collection method: clinical testing. Allele origin: germline.

Molecular Genetics, Royal Melbourne Hospital
Classification: Uncertain significance for Hypertrophic cardiomyopathy. Last evaluated: 2024-05-02. Review status: criteria provided, single submitter. Criteria: ACMG Guidelines, 2015. Collection method: clinical testing. Allele origin: germline. Inheritance: Autosomal dominant inheritance. Affected: yes.
Comment: This sequence change in FLNC is predicted to replace aspartic acid with asparagine at codon 1691, p.(Asp1691Asn). The aspartic acid residue is highly conserved (100 vertebrates, Multiz Alignments), and is located in the filamin 15 repeat. There is a small physicochemical difference between aspartic acid and asparagine. The highest population minor allele frequency in the population database gnomAD v4.0 is 0.004% (53/1,180,050 alleles) in the European (non-Finnish) population. This variant has been reported in multiple individuals with myofibrillar myopathy, left ventricular non-compaction, hypertrophic cardiomyopathy, and dilated cardiomyopathy (PMID: 19472918, 30847666, 32112656, 33890751, 35026164, 38489124). The variant has also been identified as a de novo occurrence with unconfirmed parental relationships in an individual with a diagnosis of myofibrillar myopathy (PMID: 30539912). Computational evidence is uninformative for the missense substitution (REVEL = 0.603). Based on the classification scheme RMH Modified ACMG Guidelines v1.6.1, this variant is classified as a VARIANT OF UNCERTAIN SIGNIFICANCE. Following criteria are met: none.

Ambry Genetics
Classification: Uncertain significance for Cardiovascular phenotype. Last evaluated: 2023-05-17. Review status: criteria provided, single submitter. Criteria: Ambry Variant Classification Scheme 2023. Collection method: clinical testing. Allele origin: germline.
Comment: The p.D1691N variant (also known as c.5071G>A), located in coding exon 30 of the FLNC gene, results from a G to A substitution at nucleotide position 5071. The aspartic acid at codon 1691 is replaced by asparagine, an amino acid with highly similar properties. This alteration has been reported as de novo in a subject with skeletal myopathy (Zhang YT et al. Chin. Med. J., 2018 Dec;131:2986-2988). This variant has also been detected in a hypertrophic cardiomyopathy genetic testing case, and cases with noncompaction and/or dilated cardiomyopathy (van Lint FHM et al. Neth Heart J. 2019 Jun;27(6):304-309; Shumkova M. Kardiol Pol. 2021 May;79(6):716-717; Ware SM. Am J Hum Genet. 2022 Feb;109(2):282-298). This amino acid position is highly conserved in available vertebrate species. In addition, this alteration is predicted to be tolerated by in silico analysis. Since supporting evidence is limited at this time, the clinical significance of this alteration remains unclear.

CeGaT Center for Human Genetics Tuebingen
Classification: Uncertain significance. Last evaluated: 2022-11-01. Review status: criteria provided, single submitter. Criteria: CeGaT Center For Human Genetics Tuebingen Variant Classification Criteria Version 2. Collection method: clinical testing. Allele origin: germline. Affected: yes. Observed: 3 variant alleles.
Comment: FLNC: PP3

Fulgent Genetics
Classification: Uncertain significance for Myofibrillar myopathy 5; Distal myopathy with posterior leg and anterior hand involvement; Hypertrophic cardiomyopathy 26. Last evaluated: 2021-10-26. Review status: criteria provided, single submitter. Criteria: ACMG Guidelines, 2015. Collection method: clinical testing. Allele origin: unknown.

Revvity Omics, Revvity
Classification: Uncertain significance. Last evaluated: 2021-06-12. Review status: criteria provided, single submitter. Criteria: ACMG Guidelines, 2015. Collection method: clinical testing. Allele origin: germline.

Literature cited by the submitters: PubMed 27149842 (cited by Women's Health and Genetics/Laboratory Corporation of America, LabCorp); PubMed 30847666 (cited by 4 submitters); PubMed 34426522 (cited by Women's Health and Genetics/Laboratory Corporation of America, LabCorp); PubMed 32112656 (cited by Women's Health and Genetics/Laboratory Corporation of America, LabCorp and Molecular Genetics, Royal Melbourne Hospital); PubMed 33557094 (cited by Women's Health and Genetics/Laboratory Corporation of America, LabCorp); PubMed 32295012 (cited by Women's Health and Genetics/Laboratory Corporation of America, LabCorp); PubMed 19472918 (cited by Women's Health and Genetics/Laboratory Corporation of America, LabCorp and Molecular Genetics, Royal Melbourne Hospital); PubMed 33890751 (cited by 4 submitters); PubMed 30539912 (cited by 4 submitters); PubMed 38489124 (cited by Women's Health and Genetics/Laboratory Corporation of America, LabCorp and Molecular Genetics, Royal Melbourne Hospital); PubMed 33802723 (cited by Women's Health and Genetics/Laboratory Corporation of America, LabCorp); PubMed 34535832 (cited by Women's Health and Genetics/Laboratory Corporation of America, LabCorp); PubMed 37174721 (cited by Women's Health and Genetics/Laboratory Corporation of America, LabCorp); PubMed 35026164 (cited by Molecular Genetics, Royal Melbourne Hospital and Ambry Genetics).